The following is an entry in ClinVar:

NM_001127178.3(PIGG):c.2710C>T (p.His904Tyr)

Gene: PIGG (phosphatidylinositol glycan anchor biosynthesis class G (EMM blood group); plus strand). Cytogenetic location: 4p16.3.
Variant type: single nucleotide variant.
Coding change: c.2710C>T on transcript NM_001127178.3 (MANE Select); coding-DNA position 2710, C replaced by T.
Protein change: p.His904Tyr; replaces histidine 904 with tyrosine.
Molecular consequence: missense variant. On other transcripts: non-coding transcript variant (10).
Genome position (GRCh38, 1-based): chr4:533,956, C>T. VCF-style: chr4-533956-C-T. GRCh37 (hg19) VCF-style: chr4-527745-C-T.
Other names: c.2443C>T, p.His815Tyr (NM_001289051.2, NM_001345986.2); c.2311C>T, p.His771Tyr (NM_001289052.2); c.2419C>T, p.His807Tyr (NM_001345987.2); c.1681C>T, p.His561Tyr (NM_001345988.2); c.1177C>T, p.His393Tyr (NM_001345990.2, NM_001345991.2); c.1612C>T, p.His538Tyr (NM_001345994.2); c.2686C>T, p.His896Tyr (NM_017733.5); short protein forms H904Y, H771Y, H807Y, H393Y, H538Y, H815Y, H561Y, H896Y.
Identifiers: ClinVar variation 582841 (VCV000582841.7), dbSNP rs1401973942, ClinGen allele CA355911484.

ClinVar aggregate classification (germline): Uncertain significance (1 of 4 stars; one submission).

Conditions:
Intellectual disability, autosomal recessive 53 (NEDHSCA). Also called: Mental retardation, autosomal recessive 53; NEURODEVELOPMENTAL DISORDER WITH OR WITHOUT HYPOTONIA, SEIZURES, AND CEREBELLAR ATROPHY; GLYCOSYLPHOSPHATIDYLINOSITOL BIOSYNTHESIS DEFECT 13. Identifiers: Orphanet 488635, MedGen C4310794, MONDO:0014832, OMIM 616917.

Allele frequency attached by ClinVar (database versions not stated): gnomAD exomes below 0.00001.
gnomAD v4.1: 5 of 1,614,180 alleles (0.00031%); highest among the groups gnomAD compares: South Asian, 0.0022%; no homozygotes.

Submission:

Labcorp Genetics (formerly Invitae), Labcorp
Classification: Uncertain significance for Intellectual disability, autosomal recessive 53. Last evaluated: 2024-07-06. Review status: criteria provided, single submitter. Criteria: Invitae Variant Classification Sherloc (09022015). Collection method: clinical testing. Allele origin: germline.
Comment: This sequence change replaces histidine, which is basic and polar, with tyrosine, which is neutral and polar, at codon 904 of the PIGG protein (p.His904Tyr). This variant is present in population databases (no rsID available, gnomAD 0.0009%). This variant has not been reported in the literature in individuals affected with PIGG-related conditions. ClinVar contains an entry for this variant (Variation ID: 582841). Advanced modeling of protein sequence and biophysical properties (such as structural, functional, and spatial information, amino acid conservation, physicochemical variation, residue mobility, and thermodynamic stability) performed at Invitae indicates that this missense variant is not expected to disrupt PIGG protein function with a negative predictive value of 80%. In summary, the available evidence is currently insufficient to determine the role of this variant in disease. Therefore, it has been classified as a Variant of Uncertain Significance.